The following is an entry in ClinVar:

ClinVar aggregate classification (germline): Likely benign. Review status: criteria provided, multiple submitters, no conflicts (2 of 4 stars). 3 submissions from 3 submitters: Likely benign (3). Last evaluated 2025-08-07.

Conditions:
Charcot-Marie-Tooth disease type 4. Also called: Charcot-Marie-Tooth disease, type IV; Charcot-Marie-Tooth, Type 4. Identifiers: Orphanet 64749, MedGen C4082197, MONDO:0018995.
PRX-related disorder. Also called: PRX-Related Disorders; PRX-related condition.

Allele frequency attached by ClinVar (database versions not stated): TOPMed below 0.00001; gnomAD exomes 0.00001 and 0.00002; ExAC 0.00002.

Submissions (3):

PreventionGenetics, part of Exact Sciences
Classification: Likely benign for PRX-related condition. Last evaluated: 2025-08-07. Review status: criteria provided, single submitter. Criteria: ACMG Guidelines, 2015. Collection method: clinical testing. Allele origin: germline.
Comment: This variant is classified as likely benign based on ACMG/AMP sequence variant interpretation guidelines (Richards et al. 2015 PMID: 25741868, with internal and published modifications).

Labcorp Genetics (formerly Invitae), Labcorp
Classification: Likely benign for Charcot-Marie-Tooth disease type 4. Last evaluated: 2024-11-11. Review status: criteria provided, single submitter. Criteria: Invitae Variant Classification Sherloc (09022015). Collection method: clinical testing. Allele origin: germline.

Breakthrough Genomics
Classification: Likely benign. Review status: criteria provided, single submitter. Criteria: ACMG Guidelines, 2015. Collection method: not provided. Allele origin: germline. Inheritance: Autosomal recessive inheritance. Affected: yes.

NM_181882.3(PRX):c.4200G>A (p.Lys1400=)

Gene: PRX (periaxin; minus strand). Cytogenetic location: 19q13.2.
Variant type: single nucleotide variant.
Coding change: c.4200G>A on transcript NM_181882.3 (MANE Select); coding-DNA position 4200, G replaced by A.
Protein change: p.Lys1400=; no amino-acid change (lysine 1400 retained).
Molecular consequence: synonymous variant. On other transcripts: 3 prime UTR variant (1).
Genome position (GRCh38, 1-based): chr19:40,394,152, C>T on the plus strand (G>A on the coding strand, the complement: PRX is on the minus strand). VCF-style: chr19-40394152-C-T. GRCh37 (hg19) VCF-style: chr19-40900059-C-T.
Other names: c.*4405G>A (NM_020956.2).
Identifiers: ClinVar variation 700306 (VCV000700306.10), dbSNP rs760540823, ClinGen allele CA9443667.